The following is an entry in ClinVar:

ClinVar aggregate classification (germline): Uncertain significance (1 of 4 stars; one submission).

Conditions:
Vici syndrome (VICIS). Identifiers: Orphanet 1493, MedGen C1855772, MONDO:0009452, OMIM 242840.

Submission:

Labcorp Genetics (formerly Invitae), Labcorp
Classification: Uncertain significance for Vici syndrome. Last evaluated: 2022-08-19. Review status: criteria provided, single submitter. Criteria: Invitae Variant Classification Sherloc (09022015). Collection method: clinical testing. Allele origin: germline.
Comment: This sequence change replaces threonine, which is neutral and polar, with isoleucine, which is neutral and non-polar, at codon 1276 of the EPG5 protein (p.Thr1276Ile). This variant is not present in population databases (gnomAD no frequency). This variant has not been reported in the literature in individuals affected with EPG5-related conditions. ClinVar contains an entry for this variant (Variation ID: 1043929). Algorithms developed to predict the effect of missense changes on protein structure and function (SIFT, PolyPhen-2, Align-GVGD) all suggest that this variant is likely to be tolerated. In summary, the available evidence is currently insufficient to determine the role of this variant in disease. Therefore, it has been classified as a Variant of Uncertain Significance.

NM_020964.3(EPG5):c.3827C>T (p.Thr1276Ile)

Gene: EPG5 (ectopic P-granules 5 autophagy tethering factor; minus strand). Cytogenetic location: 18q21.1.
Variant type: single nucleotide variant.
Coding change: c.3827C>T on transcript NM_020964.3 (MANE Select); coding-DNA position 3827, C replaced by T.
Protein change: p.Thr1276Ile; replaces threonine 1276 with isoleucine.
Molecular consequence: missense variant.
Genome position (GRCh38, 1-based): chr18:45,912,446, G>A on the plus strand (C>T on the coding strand, the complement: EPG5 is on the minus strand). VCF-style: chr18-45912446-G-A. GRCh37 (hg19) VCF-style: chr18-43492411-G-A.
Other names: short protein forms T1276I.
Identifiers: ClinVar variation 1043929 (VCV001043929.7), dbSNP rs2049927667, ClinGen allele CA402341073.